The following is an entry in ClinVar:

NM_207346.3(TSEN54):c.736C>T (p.Gln246Ter)

Gene: TSEN54 (tRNA splicing endonuclease subunit 54; plus strand). Cytogenetic location: 17q25.1.
Variant type: single nucleotide variant.
Coding change: c.736C>T on transcript NM_207346.3 (MANE Select); coding-DNA position 736, C replaced by T.
Protein change: p.Gln246Ter; replaces glutamine 246 with a stop codon.
Molecular consequence: nonsense.
Genome position (GRCh38, 1-based): chr17:75,521,817, C>T. VCF-style: chr17-75521817-C-T. GRCh37 (hg19) VCF-style: chr17-73517898-C-T.
Other names: short protein forms Q246*.
Identifiers: ClinVar variation 2122 (VCV000002122.9), dbSNP rs113994153, ClinGen allele CA339944.

ClinVar aggregate classification (germline): Pathogenic/Likely pathogenic. Review status: criteria provided, multiple submitters, no conflicts (2 of 4 stars). 4 submissions from 4 submitters: Pathogenic (1); Likely pathogenic (1). 2 of the submissions do not count toward it. Last evaluated 2023-02-24.

Conditions:
Pontocerebellar hypoplasia type 5 (PCH5). Also called: Pontocerebellar Hypoplasia Type 5 (PCH5). Identifiers: Orphanet 166068, MedGen C1857762, MONDO:0012438, OMIM 610204.
Pontocerebellar hypoplasia type 4 (PCH4). Also called: Pontocerebellar Hypoplasia Type 4 (PCH4). Identifiers: Orphanet 166063, MedGen C1856974, MONDO:0009166, OMIM 225753.

Allele frequency attached by ClinVar (database versions not stated): gnomAD exomes below 0.00001.

Submissions (4):

Labcorp Genetics (formerly Invitae), Labcorp
Classification: Pathogenic. Last evaluated: 2023-02-24. Review status: criteria provided, single submitter. Criteria: Invitae Variant Classification Sherloc (09022015). Collection method: clinical testing. Allele origin: germline.
Comment: For these reasons, this variant has been classified as Pathogenic. ClinVar contains an entry for this variant (Variation ID: 2122). This premature translational stop signal has been observed in individual(s) with pontocerebellar hypoplasia (PMID: 18711368). This variant is not present in population databases (gnomAD no frequency). This sequence change creates a premature translational stop signal (p.Gln246*) in the TSEN54 gene. It is expected to result in an absent or disrupted protein product. Loss-of-function variants in TSEN54 are known to be pathogenic (PMID: 18711368, 20952379).

Centre for Mendelian Genomics, University Medical Centre Ljubljana
Classification: Likely pathogenic for Pontocerebellar hypoplasia type 5. Last evaluated: 2019-05-13. Review status: criteria provided, single submitter. Criteria: ACMG Guidelines, 2015. Collection method: clinical testing. Allele origin: unknown. Affected: yes.
Comment: This variant was classified as: Likely pathogenic. The following ACMG criteria were applied in classifying this variant: PVS1,PM2.

OMIM
Classification: Pathogenic for PONTOCEREBELLAR HYPOPLASIA, TYPE 4. Last evaluated: 2008-09-01. Review status: no assertion criteria provided. Collection method: literature only. Allele origin: germline. Not counted in ClinVar's aggregate classification.

GeneReviews
No classification provided. Condition: Pontocerebellar hypoplasia type 4. Review status: no classification provided. Collection method: literature only. Allele origin: unknown. Not counted in ClinVar's aggregate classification.

Literature cited by the submitters: PubMed 18711368 (cited by Labcorp Genetics (formerly Invitae), Labcorp and OMIM); PubMed 20952379 (cited by Labcorp Genetics (formerly Invitae), Labcorp); PubMed 17641900 (cited by OMIM); PubMed 20301773 (cited by GeneReviews); NCBI Bookshelf NBK9673 (cited by GeneReviews).